The following continues an entry in ClinVar:

NM_007294.4(BRCA1):c.791_794del (p.Ser264fs)

Gene: BRCA1. ClinVar aggregate classification (germline): Conflicting classifications of pathogenicity. Pathogenic (9); Uncertain significance (1).

Submissions 9 to 13 of 13:

Color Diagnostics, LLC DBA Color Health
Classification: Pathogenic for Hereditary cancer-predisposing syndrome. Last evaluated: 2021-02-26. Review status: criteria provided, single submitter. Criteria: ACMG Guidelines, 2015. Collection method: clinical testing. Allele origin: germline.
Comment: This variant deletes 4 nucleotides in exon 10 of the BRCA1 gene, creating a frameshift and premature translation stop signal. This variant is expected to result in an absent or non-functional protein product. To our knowledge, functional studies have not been reported for this variant. This variant has been detected in four hereditary breast and ovarian cancer families (PMID: 11857748, 12014998, 23683081, 27425403, 27914478) in which this variant was confirmed present in at least one individual affected with early-onset breast cancer and two individuals affected with ovarian cancer (PMID: 12014998, 27914478). This variant has been identified in 2/249662 chromosomes in the general population by the Genome Aggregation Database (gnomAD). Loss of BRCA1 function is a known mechanism of disease. Based on the available evidence, this variant is classified as Pathogenic.

Consortium of Investigators of Modifiers of BRCA1/2 (CIMBA), c/o University of Cambridge
Classification: Pathogenic for Breast-ovarian cancer, familial, susceptibility to, 1. Last evaluated: 2015-10-02. Review status: criteria provided, single submitter. Criteria: CIMBA Mutation Classification guidelines May 2016. Collection method: clinical testing. Allele origin: germline.

Molecular Oncology, Hospital Universitario Central de Asturias (HUCA)
Classification: Pathogenic for Breast-ovarian cancer, familial, susceptibility to, 1. Last evaluated: 2021-05-24. Review status: no assertion criteria provided. Collection method: case-control. Allele origin: germline. Affected: yes. Not counted in ClinVar's aggregate classification.

Counsyl
Classification: Pathogenic for Breast-ovarian cancer, familial, susceptibility to, 1. Last evaluated: 2017-08-18. Review status: no assertion criteria provided. Collection method: clinical testing. Allele origin: unknown. Not counted in ClinVar's aggregate classification.

Breast Cancer Information Core (BIC) (BRCA1)
Classification: Pathogenic for Breast-ovarian cancer, familial 1. Last evaluated: 1999-12-30. Review status: no assertion criteria provided. Collection method: clinical testing. Allele origin: germline. Affected: yes. Observed: 5 variant alleles. Not counted in ClinVar's aggregate classification.

Literature cited by the submitters: PubMed 38922859 (cited by Quest Diagnostics Nichols Institute San Juan Capistrano and Molecular Oncology, Hospital Universitario Central de Asturias (HUCA)); PubMed 28888541 (cited by Quest Diagnostics Nichols Institute San Juan Capistrano); PubMed 38579039 (cited by Quest Diagnostics Nichols Institute San Juan Capistrano); PubMed 39596525 (cited by Quest Diagnostics Nichols Institute San Juan Capistrano and Ambry Genetics); PubMed 29907814 (cited by 3 submitters); PubMed 29161300 (cited by Quest Diagnostics Nichols Institute San Juan Capistrano and Ambry Genetics); PubMed 27914478 (cited by 5 submitters); PubMed 27425403 (cited by 3 submitters); PubMed 30720243 (cited by Quest Diagnostics Nichols Institute San Juan Capistrano); PubMed 11857748 (cited by 3 submitters); PubMed 12955716 (cited by 3 submitters); PubMed 23683081 (cited by 3 submitters); PubMed 26295337 (cited by Quest Diagnostics Nichols Institute San Juan Capistrano); PubMed 20104584 (cited by Labcorp Genetics (formerly Invitae), Labcorp); PubMed 29446198 (cited by Women's Health and Genetics/Laboratory Corporation of America, LabCorp); PubMed 36329109 (cited by Genetics Program, Instituto Nacional de Cancer); PubMed 12014998 (cited by Counsyl).